The following is an entry in ClinVar:

ClinVar aggregate classification (germline): Uncertain significance (1 of 4 stars; one submission).

Submission:

GeneDx
Classification: Uncertain significance. Last evaluated: 2026-01-30. Review status: criteria provided, single submitter. Criteria: GeneDx Variant Classification Process June 2021. Collection method: clinical testing. Allele origin: germline.
Comment: Not observed at significant frequency in large population cohorts (gnomAD); In silico analysis supports that this missense variant does not alter protein structure/function; Has not been previously published as pathogenic or benign to our knowledge

NM_001349338.3(FOXP1):c.1180T>C (p.Ser394Pro)

Gene: FOXP1 (forkhead box P1; minus strand). Cytogenetic location: 3p13.
Variant type: single nucleotide variant.
Coding change: c.1180T>C on transcript NM_001349338.3 (MANE Select); coding-DNA position 1180, T replaced by C.
Protein change: p.Ser394Pro; replaces serine 394 with proline.
Molecular consequence: missense variant. On other transcripts: non-coding transcript variant (2).
Genome position (GRCh38, 1-based): chr3:70,977,996, A>G on the plus strand (T>C on the coding strand, the complement: FOXP1 is on the minus strand). VCF-style: chr3-70977996-A-G. GRCh37 (hg19) VCF-style: chr3-71027147-A-G.
Other names: c.1180T>C, p.Ser394Pro (NM_001244808.3, NM_001244810.2, NM_001244814.3 and 3 more transcripts); c.952T>C, p.Ser318Pro (NM_001244812.3); c.880T>C, p.Ser294Pro (NM_001244813.3, NM_001244815.2, NM_001349342.3 and 1 more transcripts); c.877T>C, p.Ser293Pro (NM_001349337.2, NM_001349343.3, NM_001349344.3); c.1177T>C, p.Ser393Pro (NM_001349341.3); short protein forms S293P, S294P, S318P, S393P, S394P.
Identifiers: ClinVar variation 4888073 (VCV004888073.1).